The following is an entry in ClinVar:

NM_130839.5(UBE3A):c.290C>T (p.Ser97Leu)

Genes: SNHG14 (small nucleolar RNA host gene 14; plus strand), UBE3A (ubiquitin protein ligase E3A; minus strand). Cytogenetic location: 15q11.2.
Variant type: single nucleotide variant.
Coding change: c.290C>T on transcript NM_130839.5 (MANE Select); coding-DNA position 290, C replaced by T.
Protein change: p.Ser97Leu; replaces serine 97 with leucine.
Molecular consequence: missense variant. On other transcripts: non-coding transcript variant (1).
Genome position (GRCh38, 1-based): chr15:25,375,536, G>A on the plus strand (C>T on the coding strand, the complement: UBE3A is on the minus strand). VCF-style: chr15-25375536-G-A. GRCh37 (hg19) VCF-style: chr15-25620683-G-A.
Other names: c.299C>T, p.Ser100Leu (NM_000462.5); c.290C>T, p.Ser97Leu (NM_001354505.1, NM_001354538.2, NM_001354545.2 and 1 more transcripts); c.230C>T, p.Ser77Leu (NM_001354506.2, NM_001354507.2, NM_001354508.2 and 18 more transcripts); c.113C>T, p.Ser38Leu (NM_001354546.2); short protein forms S77L, S100L, S97L, S38L.
Identifiers: ClinVar variation 449566 (VCV000449566.6), dbSNP rs772110423, ClinGen allele CA7435674.
Genomic context (GRCh38, chr15:25,375,536, plus strand): 5'-ATTCTAGCGCCTTTCTTGTTCATTTTTATCTCAGAGCAGGAGTTGTTGGGGGCACCTTTC[G>A]AGTTCTCAAGGTAAGCTGAGCTTGCTCCTTTCTTGGAGGGATGAGGATCACAGAGTTTTG-3'
Protein context (NP_570854.1, residues 87-107): KGASSAYLEN[Ser97Leu]KGAPNNSCSE

ClinVar aggregate classification (germline): Uncertain significance. Review status: criteria provided, multiple submitters, no conflicts (2 of 4 stars). 2 submissions from 2 submitters: Uncertain significance (2). Last evaluated 2024-03-27.

Conditions:
Angelman syndrome (AS). Also called: HAPPY PUPPET SYNDROME. Identifiers: Orphanet 72, MedGen C0162635, MONDO:0007113, OMIM 105830. Disease mechanism: loss of function. Inheritance: AS is caused by disruption of maternally imprinted UBE3A located within the 15q11.2-q13 Angelman syndrome/Prader-Willi syndrome (AS/PWS) region., imprinting disorder.

Allele frequency attached by ClinVar (database versions not stated): TOPMed below 0.00001; gnomAD 0.00001; gnomAD exomes 0.00001 and 0.00002; ExAC 0.00002.
gnomAD v4.1: 29 of 1,613,992 alleles (0.0018%); highest among the groups gnomAD compares: Non-Finnish European, 0.0024%; no homozygotes.

Submissions (2):

Labcorp Genetics (formerly Invitae), Labcorp
Classification: Uncertain significance for Angelman syndrome. Last evaluated: 2024-03-27. Review status: criteria provided, single submitter. Criteria: Invitae Variant Classification Sherloc (09022015). Collection method: clinical testing. Allele origin: germline.
Comment: This sequence change replaces serine, which is neutral and polar, with leucine, which is neutral and non-polar, at codon 77 of the UBE3A protein (p.Ser77Leu). This variant is present in population databases (rs772110423, gnomAD 0.002%). This variant has not been reported in the literature in individuals affected with UBE3A-related conditions. ClinVar contains an entry for this variant (Variation ID: 449566). Advanced modeling of protein sequence and biophysical properties (such as structural, functional, and spatial information, amino acid conservation, physicochemical variation, residue mobility, and thermodynamic stability) has been performed at Invitae for this missense variant, however the output from this modeling did not meet the statistical confidence thresholds required to predict the impact of this variant on UBE3A protein function. In summary, the available evidence is currently insufficient to determine the role of this variant in disease. Therefore, it has been classified as a Variant of Uncertain Significance.

GeneDx
Classification: Uncertain significance. Last evaluated: 2015-11-17. Review status: criteria provided, single submitter. Criteria: GeneDx Variant Classification (06012015). Collection method: clinical testing. Allele origin: germline. Affected: yes.
Comment: A variant of uncertain significance has been identified in the UBE3A gene. The S77L variant has not been published as a pathogenic variant, nor has it been reported as a benign variant to our knowledge. It was not observed in approximately 6,500 individuals of European and African American ancestry in the NHLBI Exome Sequencing Project, indicating it is not a common benign variant in these populations. The S77L variant is a non-conservative amino acid substitution, which is likely to impact secondary protein structure as these residues differ in polarity, charge, size, and/or other properties. However, this substitution occurs at a position that is not conserved. In silico analysis is inconsistent in its predictions as to whether or not the variant is damaging to the protein structure/function. Therefore, based on the currently available information, it is unclear whether this variant is a pathogenic variant or a rare benign variant.